The following is an entry in ClinVar:

NM_000179.3(MSH6):c.3388G>T (p.Val1130Leu)

Gene: MSH6 (mutS homolog 6; plus strand). Cytogenetic location: 2p16.3.
Variant type: single nucleotide variant.
Coding change: c.3388G>T on transcript NM_000179.3 (MANE Select); coding-DNA position 3388, G replaced by T.
Protein change: p.Val1130Leu; replaces valine 1130 with leucine.
Molecular consequence: missense variant.
Genome position (GRCh38, 1-based): chr2:47,803,635, G>T. VCF-style: chr2-47803635-G-T. GRCh37 (hg19) VCF-style: chr2-48030774-G-T.
Other names: c.2998G>T, p.Val1000Leu (NM_001281492.2); c.2482G>T, p.Val828Leu (NM_001281493.2, NM_001281494.2); short protein forms V1130L, V1000L, V828L.
Identifiers: ClinVar variation 525762 (VCV000525762.11), dbSNP rs752164796, ClinGen allele CA346758841.
Genomic context (GRCh38, chr2:47,803,635, plus strand): 5'-CCTAATGACATTCTAATAGGCTGTGAGGAAGAGGAGCAGGAAAATGGCAAAGCCTATTGT[G>T]TGCTTGTTACTGGACCAAATATGGGGGGCAAGTCTACGCTTATGAGACAGGTAACTGATT-3'
Protein context (NP_000170.1, residues 1120-1140): EEQENGKAYC[Val1130Leu]LVTGPNMGGK

ClinVar aggregate classification (germline): Uncertain significance (1 of 4 stars; one submission).

Conditions:
Hereditary nonpolyposis colorectal neoplasms. Identifiers: MedGen C0009405, MeSH D003123.

Submission:

Labcorp Genetics (formerly Invitae), Labcorp
Classification: Uncertain significance for Hereditary nonpolyposis colorectal neoplasms. Last evaluated: 2022-01-28. Review status: criteria provided, single submitter. Criteria: Invitae Variant Classification Sherloc (09022015). Collection method: clinical testing. Allele origin: germline.
Comment: This variant is not present in population databases (gnomAD no frequency). In summary, the available evidence is currently insufficient to determine the role of this variant in disease. Therefore, it has been classified as a Variant of Uncertain Significance. Advanced modeling of protein sequence and biophysical properties (such as structural, functional, and spatial information, amino acid conservation, physicochemical variation, residue mobility, and thermodynamic stability) performed at Invitae indicates that this missense variant is not expected to disrupt MSH6 protein function. ClinVar contains an entry for this variant (Variation ID: 525762). This variant has not been reported in the literature in individuals affected with MSH6-related conditions. This sequence change replaces valine, which is neutral and non-polar, with leucine, which is neutral and non-polar, at codon 1130 of the MSH6 protein (p.Val1130Leu).